The following is an entry in ClinVar:

ClinVar aggregate classification (germline): Conflicting classifications of pathogenicity. Review status: criteria provided, conflicting classifications (1 of 4 stars). 10 submissions from 6 submitters: Uncertain significance (7); Benign (2); Likely benign (1). Last evaluated 2025-12-30.

Conditions:
Tibial muscular dystrophy (TMD). Also called: UDD MYOPATHY; Tibial muscular dystrophy, tardive; Udd Distal Myopathy – Tibial Muscular Dystrophy. Identifiers: Orphanet 609, MedGen C1838244, MONDO:0010870, OMIM 600334.
Early-onset myopathy with fatal cardiomyopathy (CMYO5). Also called: Salih Myopathy; CONGENITAL MYOPATHY 5 WITH CARDIOMYOPATHY. Identifiers: Orphanet 289377, MedGen C2673677, MONDO:0012714, OMIM 611705. Disease mechanism: loss of function.
Myopathy, myofibrillar, 9, with early respiratory failure (MFM9). Also called: Hereditary myopathy with early respiratory failure; EDSTROM MYOPATHY; MYOPATHY, PROXIMAL, WITH EARLY RESPIRATORY MUSCLE INVOLVEMENT; Myopathy, distal, with early respiratory failure, autosomal dominant. Identifiers: Orphanet 178464, Orphanet 34521, MedGen C1863599, MONDO:0011362, OMIM 603689.
Autosomal recessive limb-girdle muscular dystrophy type 2J (LGMDR10). Also called: Limb-girdle muscular dystrophy, type 2J; MUSCULAR DYSTROPHY, LIMB-GIRDLE, AUTOSOMAL RECESSIVE 10. Identifiers: Orphanet 140922, MedGen C1837342, MONDO:0012127, OMIM 608807.
Dilated cardiomyopathy 1G (CMD1G). Identifiers: Orphanet 154, MedGen C1858763, MONDO:0011400, OMIM 604145.

Allele frequency attached by ClinVar (database versions not stated): TOPMed 0.00003; gnomAD exomes 0.00004; gnomAD 0.00005 and 0.00006; ExAC 0.00007.
gnomAD v4.1: 46 of 1,613,642 alleles (0.0029%); highest among the groups gnomAD compares: Middle Eastern, 0.033%; no homozygotes.

Submissions (10):

Women's Health and Genetics/Laboratory Corporation of America, LabCorp
Classification: Uncertain significance. Last evaluated: 2025-12-30. Review status: criteria provided, single submitter. Criteria: LabCorp Variant Classification Summary - May 2015. Collection method: clinical testing. Allele origin: germline.
Comment: Variant summary: TTN c.23920G>T (p.Val7974Phe) results in a non-conservative amino acid change in the encoded protein sequence. Algorithms developed to predict the effect of missense changes on protein structure and function are either unavailable or do not agree on the potential impact of this missense change. The variant allele was found at a frequency of 4.4e-05 in 248438 control chromosomes. This frequency is not significantly higher than estimated for disease-causing variants in TTN, allowing no conclusion about variant significance. To our knowledge, no occurrence of c.23920G>T in individuals affected with TTN-related conditions and no experimental evidence demonstrating its impact on protein function have been reported. ClinVar contains an entry for this variant (Variation ID: 496984). Based on the evidence outlined above, the variant was classified as uncertain significance.

Mayo Clinic Laboratories, Mayo Clinic
Classification: Uncertain significance. Last evaluated: 2024-02-20. Review status: criteria provided, single submitter. Criteria: ACMG Guidelines, 2015. Collection method: clinical testing. Allele origin: germline. Observed: 1 variant allele.
Comment: BP4

Revvity Omics, Revvity
Classification: Uncertain significance. Last evaluated: 2023-03-01. Review status: criteria provided, single submitter. Criteria: ACMG Guidelines, 2015. Collection method: clinical testing. Allele origin: germline.

GeneDx
Classification: Likely benign. Last evaluated: 2020-06-18. Review status: criteria provided, single submitter. Criteria: GeneDx Variant Classification Process June 2021. Collection method: clinical testing. Allele origin: germline. Affected: yes.

Illumina Laboratory Services, Illumina
Classification: Uncertain significance for Autosomal recessive limb-girdle muscular dystrophy type 2J. Last evaluated: 2018-01-12. Review status: criteria provided, single submitter. Criteria: ICSL Variant Classification Criteria 13 December 2019. Collection method: clinical testing. Allele origin: germline.

Illumina Laboratory Services, Illumina
Classification: Uncertain significance for Early-onset myopathy with fatal cardiomyopathy. Last evaluated: 2018-01-12. Review status: criteria provided, single submitter. Criteria: ICSL Variant Classification Criteria 13 December 2019. Collection method: clinical testing. Allele origin: germline.

Illumina Laboratory Services, Illumina
Classification: Benign for Myopathy, myofibrillar, 9, with early respiratory failure. Last evaluated: 2018-01-12. Review status: criteria provided, single submitter. Criteria: ICSL Variant Classification Criteria 13 December 2019. Collection method: clinical testing. Allele origin: germline.
Comment: This variant was observed in the ICSL laboratory as part of a predisposition screen in an ostensibly healthy population. It had not been previously curated by ICSL or reported in the Human Gene Mutation Database (HGMD: prior to June 1st, 2018), and was therefore a candidate for classification through an automated scoring system. Utilizing variant allele frequency, disease prevalence and penetrance estimates, and inheritance mode, an automated score was calculated to assess if this variant is too frequent to cause the disease. Based on the score and internal cut-off values, a variant classified as benign is not then subjected to further curation. The score for this variant resulted in a classification of benign for this disease.

Illumina Laboratory Services, Illumina
Classification: Uncertain significance for Dilated cardiomyopathy 1G. Last evaluated: 2018-01-12. Review status: criteria provided, single submitter. Criteria: ICSL Variant Classification Criteria 13 December 2019. Collection method: clinical testing. Allele origin: germline.

Illumina Laboratory Services, Illumina
Classification: Benign for Tibial muscular dystrophy. Last evaluated: 2018-01-12. Review status: criteria provided, single submitter. Criteria: ICSL Variant Classification Criteria 13 December 2019. Collection method: clinical testing. Allele origin: germline.
Comment: the same text as in the submission from Illumina Laboratory Services, Illumina above.

Eurofins Ntd Llc (ga)
Classification: Uncertain significance. Last evaluated: 2017-04-27. Review status: criteria provided, single submitter. Criteria: EGL Classification Definitions 2015. Collection method: clinical testing. Allele origin: germline. Observed: 3 variant alleles, 3 heterozygotes.

NM_001267550.2(TTN):c.27652G>T (p.Val9218Phe)

Gene: TTN (titin; minus strand). Cytogenetic location: 2q31.2.
Variant type: single nucleotide variant.
Coding change: c.27652G>T on transcript NM_001267550.2 (MANE Select); coding-DNA position 27652, G replaced by T.
Protein change: p.Val9218Phe; replaces valine 9218 with phenylalanine.
Molecular consequence: missense variant. On other transcripts: intron variant (3).
Genome position (GRCh38, 1-based): chr2:178,712,178, C>A on the plus strand (G>T on the coding strand, the complement: TTN is on the minus strand). VCF-style: chr2-178712178-C-A. GRCh37 (hg19) VCF-style: chr2-179576905-C-A.
Other names: p.Val8901Phe; c.26701G>T, p.Val8901Phe (NM_001256850.1); c.23920G>T, p.Val7974Phe (NM_133378.4); c.13282+25904G>T (NM_003319.4); c.13858+25904G>T (NM_133437.4); c.13657+25904G>T (NM_133432.3); short protein forms V7974F, V9218F, V8901F.
Identifiers: ClinVar variation 496984 (VCV000496984.16), dbSNP rs746558975, ClinGen allele CA1999749.
Genomic context (GRCh38, chr2:178,712,178, plus strand): 5'-AGGATACCCCAATTTCAGGGGTTCCAGCAAGCTGGCATTGTAGAGAGGCAGAATCTCCAA[C>A]AGACACCTTAACCGGCTCCAACTGCTTGACAAAATACGGTGGTTCTGCAGCCAAGAGAGA-3'
Protein context (NP_001254479.2, residues 9208-9228): VKQLEPVKVS[Val9218Phe]GDSASLQCQL